The following is an entry in ClinVar:

GRCh38/hg38 9q21.13-21.31(chr9:73706686-80370629)x1

Genes: C9orf40 (chromosome 9 open reading frame 40; minus strand), CARNMT1 (carnosine N-methyltransferase 1; minus strand), CARNMT1-AS1 (CARNMT1 antisense RNA 1; plus strand), CEP78 (centrosomal protein 78; plus strand), FOXB2 (forkhead box B2; plus strand) and 99 more. Cytogenetic location: 9q21.13-21.31.
Variant type: copy number loss.
Change: copy number 1 (one copy instead of two) of chr9:73,706,686-80,370,629 (6.66 Mb, GRCh38 coordinates, 1-based), cytogenetic band 9q21.13-21.31.
Identifiers: ClinVar variation 59109 (VCV000059109.1).

ClinVar aggregate classification (germline): Pathogenic (1 of 4 stars; one submission).

Submission:

ISCA site 14
Classification: Pathogenic. Last evaluated: 2011-08-12. Review status: criteria provided, single submitter. Criteria: Kaminsky et al. (Genet Med. 2011). Collection method: clinical testing. Allele origin: de novo. Affected: yes. Observed: 1 variant allele.
Comment: Copy number variation identified through the course of routine clinical cytogenomic testing in postnatal populations. Clinical assertions have been curated as described in Kaminsky et al. 2011.